The following is an entry in ClinVar:

NM_001004334.4(GPR179):c.628G>A (p.Gly210Ser)

Gene: GPR179 (G protein-coupled receptor 179; minus strand). Cytogenetic location: 17q12.
Variant type: single nucleotide variant.
Coding change: c.628G>A on transcript NM_001004334.4 (MANE Select); coding-DNA position 628, G replaced by A.
Protein change: p.Gly210Ser; replaces glycine 210 with serine.
Molecular consequence: missense variant.
Genome position (GRCh38, 1-based): chr17:38,343,162, C>T on the plus strand (G>A on the coding strand, the complement: GPR179 is on the minus strand). VCF-style: chr17-38343162-C-T. GRCh37 (hg19) VCF-style: chr17-36499045-C-T.
Other names: short protein forms G210S.
Identifiers: ClinVar variation 888953 (VCV000888953.14), dbSNP rs148060036, ClinGen allele CA290111450.

ClinVar aggregate classification (germline): Benign/Likely benign. Review status: criteria provided, multiple submitters, no conflicts (2 of 4 stars). 4 submissions from 4 submitters: Benign (3); Likely benign (1). Last evaluated 2026-01-05.

Conditions:
Congenital stationary night blindness 1E. Also called: Night blindness, congenital stationary (complete), 1E, autosomal recessive. Identifiers: Orphanet 215, MedGen C3281215, MONDO:0013807, OMIM 614565.

Allele frequency attached by ClinVar (database versions not stated): gnomAD exomes 0.00041 and 0.00116; ExAC 0.00132; ESP Exome Variant Server 0.00395; gnomAD 0.00436 and 0.00463; TOPMed 0.00473; 1000 Genomes Project 0.00619; 1000 Genomes Project 30x 0.00640.
gnomAD v4.1: 1,274 of 1,614,094 alleles (0.079%); highest among the groups gnomAD compares: African/African-American, 1.5%; 11 homozygotes.

Submissions (4):

Labcorp Genetics (formerly Invitae), Labcorp
Classification: Benign. Last evaluated: 2026-01-05. Review status: criteria provided, single submitter. Criteria: Invitae Variant Classification Sherloc (09022015). Collection method: clinical testing. Allele origin: germline.

Blueprint Genetics
Classification: Likely benign. Last evaluated: 2024-10-04. Review status: criteria provided, single submitter. Criteria: ACMG Guidelines, 2015. Collection method: clinical testing. Allele origin: germline.

Illumina Laboratory Services, Illumina
Classification: Benign for Congenital stationary night blindness 1E. Last evaluated: 2018-01-12. Review status: criteria provided, single submitter. Criteria: ICSL Variant Classification Criteria 13 December 2019. Collection method: clinical testing. Allele origin: germline.
Comment: This variant was observed in the ICSL laboratory as part of a predisposition screen in an ostensibly healthy population. It had not been previously curated by ICSL or reported in the Human Gene Mutation Database (HGMD: prior to June 1st, 2018), and was therefore a candidate for classification through an automated scoring system. Utilizing variant allele frequency, disease prevalence and penetrance estimates, and inheritance mode, an automated score was calculated to assess if this variant is too frequent to cause the disease. Based on the score and internal cut-off values, a variant classified as benign is not then subjected to further curation. The score for this variant resulted in a classification of benign for this disease.

Breakthrough Genomics
Classification: Benign. Review status: criteria provided, single submitter. Criteria: ACMG Guidelines, 2015. Collection method: not provided. Allele origin: germline. Inheritance: Autosomal recessive inheritance. Affected: yes.